The following is an entry in ClinVar:

NM_001363711.2(DUOX2):c.4320C>G (p.Asp1440Glu)

Gene: DUOX2 (dual oxidase 2; minus strand). Cytogenetic location: 15q21.1.
Variant type: single nucleotide variant.
Coding change: c.4320C>G on transcript NM_001363711.2 (MANE Select); coding-DNA position 4320, C replaced by G.
Protein change: p.Asp1440Glu; replaces aspartic acid 1440 with glutamic acid.
Molecular consequence: missense variant.
Genome position (GRCh38, 1-based): chr15:45,095,011, G>C on the plus strand (C>G on the coding strand, the complement: DUOX2 is on the minus strand). VCF-style: chr15-45095011-G-C. GRCh37 (hg19) VCF-style: chr15-45387209-G-C.
Other names: c.4320C>G (NM_014080.4); c.4320C>G, p.Asp1440Glu (NM_014080.5); short protein forms D1440E.
Identifiers: ClinVar variation 1602644 (VCV001602644.11), dbSNP rs115865111, ClinGen allele CA7537561.

ClinVar aggregate classification (germline): Conflicting classifications of pathogenicity. Review status: criteria provided, conflicting classifications (1 of 4 stars). 3 submissions from 3 submitters: Uncertain significance (2); Likely benign (1). Last evaluated 2026-01-03.

Conditions:
Inborn genetic diseases. Identifiers: MedGen C0950123, MeSH D030342.

Allele frequency attached by ClinVar (database versions not stated): gnomAD 0.00037 and 0.00038; gnomAD exomes 0.00003 and 0.00011; ExAC 0.00008; ESP Exome Variant Server 0.00031; TOPMed 0.00043; 1000 Genomes Project 0.00120; 1000 Genomes Project 30x 0.00141.

Submissions (3):

Labcorp Genetics (formerly Invitae), Labcorp
Classification: Likely benign. Last evaluated: 2026-01-03. Review status: criteria provided, single submitter. Criteria: Invitae Variant Classification Sherloc (09022015). Collection method: clinical testing. Allele origin: germline.

GeneDx
Classification: Uncertain significance. Last evaluated: 2025-12-12. Review status: criteria provided, single submitter. Criteria: GeneDx Variant Classification Process June 2021. Collection method: clinical testing. Allele origin: germline.
Comment: In silico analysis supports that this missense variant has a deleterious effect on protein structure/function; Has not been previously published as pathogenic or benign to our knowledge

Ambry Genetics
Classification: Uncertain significance for Inborn genetic diseases. Last evaluated: 2025-10-15. Review status: criteria provided, single submitter. Criteria: Ambry Variant Classification Scheme 2023. Collection method: clinical testing. Allele origin: germline.